The following is an entry in ClinVar:

ClinVar aggregate classification (germline): Uncertain significance (1 of 4 stars; one submission).

Submission:

Labcorp Genetics (formerly Invitae), Labcorp
Classification: Uncertain significance. Last evaluated: 2021-08-03. Review status: criteria provided, single submitter. Criteria: Invitae Variant Classification Sherloc (09022015). Collection method: clinical testing. Allele origin: germline.
Comment: A copy number gain of the genomic region encompassing the full coding sequence of the SBF1 gene has been identified. The boundaries of this event are unknown as they extend beyond the assayed region for this gene and therefore may encompass additional genes. As the precise location of this event is unknown, it may be in tandem or it may be located elsewhere in the genome. This variant has not been reported in the literature in individuals affected with SBF1-related conditions. In summary, the available evidence is currently insufficient to determine the role of this variant in disease. Therefore, it has been classified as a Variant of Uncertain Significance.

NC_000022.10:g.(?_50885571)_(50965732_?)dup

Genes: SBF1 (SET binding factor 1; minus strand), LMF2 (lipase maturation factor 2; minus strand), ADM2 (adrenomedullin 2; plus strand), MIOX (myo-inositol oxygenase; plus strand), NCAPH2 (non-SMC condensin II complex subunit H2; plus strand) and 2 more. Cytogenetic location: 22q13.33.
Variant type: Duplication.
Identifiers: ClinVar variation 1512005 (VCV001512005.1).